The following is an entry in ClinVar:

ClinVar aggregate classification (germline): Uncertain significance (1 of 4 stars; one submission).

Allele frequency attached by ClinVar (database versions not stated): ExAC 0.00001; gnomAD 0.00001; gnomAD exomes 0.00001.

Submission:

Labcorp Genetics (formerly Invitae), Labcorp
Classification: Uncertain significance. Last evaluated: 2023-10-17. Review status: criteria provided, single submitter. Criteria: Invitae Variant Classification Sherloc (09022015). Collection method: clinical testing. Allele origin: germline.
Comment: This sequence change replaces arginine, which is basic and polar, with histidine, which is basic and polar, at codon 82 of the MCM2 protein (p.Arg82His). This variant is present in population databases (rs780341645, gnomAD 0.02%). This variant has not been reported in the literature in individuals affected with MCM2-related conditions. ClinVar contains an entry for this variant (Variation ID: 1915158). An algorithm developed to predict the effect of missense changes on protein structure and function (PolyPhen-2) suggests that this variant is likely to be disruptive. In summary, the available evidence is currently insufficient to determine the role of this variant in disease. Therefore, it has been classified as a Variant of Uncertain Significance.

NM_004526.4(MCM2):c.245G>A (p.Arg82His)

Gene: MCM2 (minichromosome maintenance complex component 2; plus strand). Cytogenetic location: 3q21.3.
Variant type: single nucleotide variant.
Coding change: c.245G>A on transcript NM_004526.4 (MANE Select); coding-DNA position 245, G replaced by A.
Protein change: p.Arg82His; replaces arginine 82 with histidine.
Molecular consequence: missense variant. On other transcripts: non-coding transcript variant (1).
Genome position (GRCh38, 1-based): chr3:127,604,616, G>A. VCF-style: chr3-127604616-G-A. GRCh37 (hg19) VCF-style: chr3-127323459-G-A.
Other names: short protein forms R82H.
Identifiers: ClinVar variation 1915158 (VCV001915158.5), dbSNP rs780341645, ClinGen allele CA2595515.